The following is an entry in ClinVar:

ClinVar aggregate classification (germline): Uncertain significance (1 of 4 stars; one submission).

Conditions:
Cardiovascular phenotype. Identifiers: MedGen CN230736.

Allele frequency attached by ClinVar (database versions not stated): gnomAD exomes below 0.00001.
gnomAD v4.1: 2 of 1,614,232 alleles (0.00012%); highest among the groups gnomAD compares: Non-Finnish European, 0.00017%; no homozygotes.

Submission:

Ambry Genetics
Classification: Uncertain significance for Cardiovascular phenotype. Last evaluated: 2021-08-14. Review status: criteria provided, single submitter. Criteria: Ambry Variant Classification Scheme 2023. Collection method: clinical testing. Allele origin: germline.
Comment: The p.D1668E variant (also known as c.5004C>A), located in coding exon 32 of the MYH6 gene, results from a C to A substitution at nucleotide position 5004. The aspartic acid at codon 1668 is replaced by glutamic acid, an amino acid with highly similar properties. This amino acid position is conserved. In addition, this alteration is predicted to be tolerated by in silico analysis. Since supporting evidence is limited at this time, the clinical significance of this alteration remains unclear.

NM_002471.4(MYH6):c.5004C>A (p.Asp1668Glu)

Genes: MYH6 (myosin heavy chain 6; minus strand), LOC126861896 (BRD4-independent group 4 enhancer GRCh37_chr14:23854904-23856103; plus strand). Cytogenetic location: 14q11.2.
Variant type: single nucleotide variant.
Coding change: c.5004C>A on transcript NM_002471.4 (MANE Select); coding-DNA position 5004, C replaced by A.
Protein change: p.Asp1668Glu; replaces aspartic acid 1668 with glutamic acid.
Molecular consequence: missense variant.
Genome position (GRCh38, 1-based): chr14:23,386,087, G>T on the plus strand (C>A on the coding strand, the complement: MYH6 is on the minus strand). VCF-style: chr14-23386087-G-T. GRCh37 (hg19) VCF-style: chr14-23855296-G-T.
Other names: short protein forms D1668E.
Identifiers: ClinVar variation 1744734 (VCV001744734.2), dbSNP rs2502141778, ClinGen allele CA388990351.